The following is an entry in ClinVar:

NM_004444.5(EPHB4):c.2197G>A (p.Glu733Lys)

Gene: EPHB4 (EPH receptor B4; minus strand). Cytogenetic location: 7q22.1.
Variant type: single nucleotide variant.
Coding change: c.2197G>A on transcript NM_004444.5 (MANE Select); coding-DNA position 2197, G replaced by A.
Protein change: p.Glu733Lys; replaces glutamic acid 733 with lysine.
Molecular consequence: missense variant.
Genome position (GRCh38, 1-based): chr7:100,807,502, C>T on the plus strand (G>A on the coding strand, the complement: EPHB4 is on the minus strand). VCF-style: chr7-100807502-C-T. GRCh37 (hg19) VCF-style: chr7-100405124-C-T.
Other names: short protein forms E733K.
Identifiers: ClinVar variation 1787507 (VCV001787507.2), dbSNP rs776818724, ClinGen allele CA4392698.
Genomic context (GRCh38, chr7:100,807,502, plus strand): 5'-CGAGGTTGCTGTTGACTAGGATGTTGCGAGCAGCCAGGTCTCGGTGGACGTAGCTCATCT[C>T]GGCAAGGTACCGCATGCCCGAGGCGATGCCCCGCAGCATGCCCACGAGCTGGATGACTGT-3'
Protein context (NP_004435.3, residues 723-743): GIASGMRYLA[Glu733Lys]MSYVHRDLAA

ClinVar aggregate classification (germline): Uncertain significance (1 of 4 stars; one submission).

Conditions:
Cardiovascular phenotype. Identifiers: MedGen CN230736.

Allele frequency attached by ClinVar (database versions not stated): TOPMed below 0.00001; gnomAD exomes 0.00003; ExAC 0.00004.

Submission:

Ambry Genetics
Classification: Uncertain significance for Cardiovascular phenotype. Last evaluated: 2021-06-22. Review status: criteria provided, single submitter. Criteria: Ambry Variant Classification Scheme 2023. Collection method: clinical testing. Allele origin: germline.
Comment: The p.E733K variant (also known as c.2197G>A), located in coding exon 13 of the EPHB4 gene, results from a G to A substitution at nucleotide position 2197. The glutamic acid at codon 733 is replaced by lysine, an amino acid with similar properties. This amino acid position is conserved. In addition, the in silico prediction for this alteration is inconclusive. Since supporting evidence is limited at this time, the clinical significance of this alteration remains unclear.